The following is an entry in ClinVar:

NM_001017995.3(SH3PXD2B):c.157-10C>T

Gene: SH3PXD2B (SH3 and PX domains 2B; minus strand). Cytogenetic location: 5q35.1.
Variant type: single nucleotide variant.
Coding change: c.157-10C>T on transcript NM_001017995.3 (MANE Select); 10 bases into the intron before coding-DNA position 157, C replaced by T.
Molecular consequence: intron variant.
Genome position (GRCh38, 1-based): chr5:172,406,362, G>A on the plus strand (C>T on the coding strand, the complement: SH3PXD2B is on the minus strand). VCF-style: chr5-172406362-G-A. GRCh37 (hg19) VCF-style: chr5-171833366-G-A.
Other names: c.157-10C>T (NM_001308175.2).
Identifiers: ClinVar variation 3057654 (VCV003057654.2), dbSNP rs763372316, ClinGen allele CA3561655.

ClinVar aggregate classification (germline): Likely benign (0 of 4 stars; one submission).

Conditions:
SH3PXD2B-related disorder. Also called: SH3PXD2B-related condition.

Allele frequency attached by ClinVar (database versions not stated): TOPMed 0.00001; ExAC 0.00002; gnomAD exomes 0.00002.
gnomAD v4.1: 28 of 1,613,892 alleles (0.0017%); highest among the groups gnomAD compares: East Asian, 0.031%; no homozygotes.

Submission:

PreventionGenetics, part of Exact Sciences
Classification: Likely benign for SH3PXD2B-related condition. Last evaluated: 2019-03-15. Review status: no assertion criteria provided. Collection method: clinical testing. Allele origin: germline.
Comment: This variant is classified as likely benign based on ACMG/AMP sequence variant interpretation guidelines (Richards et al. 2015 PMID: 25741868, with internal and published modifications).